The following is an entry in ClinVar:

ClinVar aggregate classification (germline): Likely pathogenic. Review status: criteria provided, multiple submitters, no conflicts (2 of 4 stars). 2 submissions from 2 submitters: Likely pathogenic (2). Last evaluated 2024-03-23.

Conditions:
Pituitary adenoma 5, multiple types. Identifiers: MedGen C4539685, MONDO:0054601, OMIM 617540.

Allele frequency attached by ClinVar (database versions not stated): gnomAD 0.00001; TOPMed 0.00001.
gnomAD v4.1: 4 of 1,612,688 alleles (0.00025%); highest among the groups gnomAD compares: African/African-American, 0.0053%; no homozygotes.

Submissions (2):

Baylor Genetics
Classification: Likely pathogenic for Pituitary adenoma 5, multiple types. Last evaluated: 2024-03-23. Review status: criteria provided, single submitter. Criteria: ACMG Guidelines, 2015. Collection method: clinical testing. Allele origin: unknown.

Labcorp Genetics (formerly Invitae), Labcorp
Classification: Likely pathogenic. Last evaluated: 2023-07-07. Review status: criteria provided, single submitter. Criteria: Invitae Variant Classification Sherloc (09022015). Collection method: clinical testing. Allele origin: germline.
Comment: This sequence change affects a donor splice site in intron 23 of the CDH23 gene. It is expected to disrupt RNA splicing. Variants that disrupt the donor or acceptor splice site typically lead to a loss of protein function (PMID: 16199547), and loss-of-function variants in CDH23 are known to be pathogenic (PMID: 11138009, 21940737). This variant is present in population databases (no rsID available, gnomAD 0.007%). This variant has not been reported in the literature in individuals affected with CDH23-related conditions. Algorithms developed to predict the effect of sequence changes on RNA splicing suggest that this variant may disrupt the consensus splice site. In summary, the currently available evidence indicates that the variant is pathogenic, but additional data are needed to prove that conclusively. Therefore, this variant has been classified as Likely Pathogenic.

Literature cited by the submitters: PubMed 16199547 (cited by Labcorp Genetics (formerly Invitae), Labcorp); PubMed 11138009 (cited by Labcorp Genetics (formerly Invitae), Labcorp); PubMed 21940737 (cited by Labcorp Genetics (formerly Invitae), Labcorp).

NM_022124.6(CDH23):c.2587+1G>A

Gene: CDH23 (cadherin related 23; plus strand). Cytogenetic location: 10q22.1.
Variant type: single nucleotide variant.
Coding change: c.2587+1G>A on transcript NM_022124.6 (MANE Select); the canonical splice donor site of the intron after coding-DNA position 2587, G replaced by A.
Molecular consequence: splice donor variant.
Genome position (GRCh38, 1-based): chr10:71,702,212, G>A. VCF-style: chr10-71702212-G-A. GRCh37 (hg19) VCF-style: chr10-73461969-G-A.
Other names: c.2587+1G>A (NM_001171930.2, NM_001171931.2).
Identifiers: ClinVar variation 2737449 (VCV002737449.4), dbSNP rs1271686561, ClinGen allele CA377137885.